The following is an entry in ClinVar:

NM_001244008.2(KIF1A):c.4319-44G>A

Gene: KIF1A (kinesin family member 1A; minus strand). Cytogenetic location: 2q37.3.
Variant type: single nucleotide variant.
Coding change: c.4319-44G>A on transcript NM_001244008.2 (MANE Select); 44 bases into the intron before coding-DNA position 4319, G replaced by A.
Molecular consequence: intron variant.
Genome position (GRCh38, 1-based): chr2:240,723,602, C>T on the plus strand (G>A on the coding strand, the complement: KIF1A is on the minus strand). VCF-style: chr2-240723602-C-T. GRCh37 (hg19) VCF-style: chr2-241663019-C-T.
Other names: c.4016-44G>A (NM_001379653.1, NM_001379650.1, NM_001379641.1 and 2 more transcripts); c.4292-44G>A (NM_001379645.1, NM_001379633.1); c.4142-44G>A (NM_001379635.1, NM_001379646.1); c.4013-44G>A (NM_001379640.1); c.4040-44G>A (NM_001379639.1); c.4043-44G>A (NM_001379649.1, NM_001320705.2); c.4130-44G>A (NM_001379636.1); c.4295-44G>A (NM_001379632.1); and 7 more.
Identifiers: ClinVar variation 682845 (VCV000682845.2), dbSNP rs2043252, ClinGen allele CA2207419.

ClinVar aggregate classification (germline): Benign. Review status: criteria provided, multiple submitters, no conflicts (2 of 4 stars). 2 submissions from 2 submitters: Benign (2). Last evaluated 2018-06-14.

Allele frequency attached by ClinVar (database versions not stated): ESP Exome Variant Server 0.26359; gnomAD 0.31293 and 0.32231; TOPMed 0.32135; 1000 Genomes Project 0.33886; 1000 Genomes Project 30x 0.33948; gnomAD exomes 0.37281 and 0.41293; ExAC 0.39067.
gnomAD v4.1: 549,633 of 1,495,506 alleles (37%); highest among the groups gnomAD compares: Admixed American, 52%; 104,300 homozygotes.

Submissions (2):

GeneDx
Classification: Benign. Last evaluated: 2018-06-14. Review status: criteria provided, single submitter. Criteria: GeneDx Variant Classification (06012015). Collection method: clinical testing. Allele origin: germline. Affected: yes.
Comment: This variant is considered likely benign or benign based on one or more of the following criteria: it is a conservative change, it occurs at a poorly conserved position in the protein, it is predicted to be benign by multiple in silico algorithms, and/or has population frequency not consistent with disease.

Breakthrough Genomics
Classification: Benign. Review status: criteria provided, single submitter. Criteria: ACMG Guidelines, 2015. Collection method: not provided. Allele origin: germline. Inheritance: Autosomal recessive inheritance. Affected: yes.